The following is an entry in ClinVar:

NM_004523.4(KIF11):c.2324A>C (p.Asp775Ala)

Gene: KIF11 (kinesin family member 11; plus strand). Cytogenetic location: 10q23.33.
Variant type: single nucleotide variant.
Coding change: c.2324A>C on transcript NM_004523.4 (MANE Select); coding-DNA position 2324, A replaced by C.
Protein change: p.Asp775Ala; replaces aspartic acid 775 with alanine.
Molecular consequence: missense variant.
Genome position (GRCh38, 1-based): chr10:92,645,419, A>C. VCF-style: chr10-92645419-A-C. GRCh37 (hg19) VCF-style: chr10-94405176-A-C.
Other names: short protein forms D775A.
Identifiers: ClinVar variation 3341962 (VCV003341962.16).

ClinVar aggregate classification (germline): Uncertain significance (1 of 4 stars; one submission).

Submission:

CeGaT Center for Human Genetics Tuebingen
Classification: Uncertain significance. Last evaluated: 2024-08-01. Review status: criteria provided, single submitter. Criteria: CeGaT Center For Human Genetics Tuebingen Variant Classification Criteria Version 2. Collection method: clinical testing. Allele origin: germline. Affected: yes. Observed: 1 variant allele.
Comment: KIF11: PM2, BP4